The following is an entry in ClinVar:

ClinVar aggregate classification (germline): Conflicting classifications of pathogenicity. Review status: criteria provided, conflicting classifications (1 of 4 stars). 5 submissions from 5 submitters: Uncertain significance (1); Benign (1); Likely benign (2). 1 of the submissions does not count toward it. Last evaluated 2025-11-04.

Conditions:
FOXI1-related disorder. Also called: FOXI1-related condition.
Autosomal recessive nonsyndromic hearing loss 4 (DFNB4). Also called: NEUROSENSORY NONSYNDROMIC RECESSIVE DEAFNESS 4; Deafness, autosomal recessive 4, with enlarged vestibular aqueduct; FOXI1-Related Pendred Syndrome; KCNJ10-Related Pendred Syndrome; DEAFNESS, AUTOSOMAL RECESSIVE 4, WITH ENLARGED VESTIBULAR AQUEDUCT, DIGENIC; Deafness, autosomal recessive 4. Identifiers: Orphanet 90636, MedGen C3538946, MONDO:0010933, OMIM 600791.

Allele frequency attached by ClinVar (database versions not stated): gnomAD exomes 0.00014 and 0.00039; ExAC 0.00046; 1000 Genomes Project 0.00100; 1000 Genomes Project 30x 0.00125; gnomAD 0.00159 and 0.00166; ESP Exome Variant Server 0.00169; TOPMed 0.00198.

Submissions (5):

Labcorp Genetics (formerly Invitae), Labcorp
Classification: Benign. Last evaluated: 2025-11-04. Review status: criteria provided, single submitter. Criteria: Invitae Variant Classification Sherloc (09022015). Collection method: clinical testing. Allele origin: germline.

Blueprint Genetics
Classification: Likely benign. Last evaluated: 2024-11-11. Review status: criteria provided, single submitter. Criteria: ACMG Guidelines, 2015. Collection method: clinical testing. Allele origin: germline.

GeneDx
Classification: Likely benign. Last evaluated: 2020-09-17. Review status: criteria provided, single submitter. Criteria: GeneDx Variant Classification Process June 2021. Collection method: clinical testing. Allele origin: germline. Affected: yes.

Illumina Laboratory Services, Illumina
Classification: Uncertain significance for Autosomal recessive nonsyndromic hearing loss 4. Last evaluated: 2018-01-12. Review status: criteria provided, single submitter. Criteria: ICSL Variant Classification Criteria 13 December 2019. Collection method: clinical testing. Allele origin: germline.

PreventionGenetics, part of Exact Sciences
Classification: Likely benign for FOXI1-related condition. Last evaluated: 2019-05-20. Review status: no assertion criteria provided. Collection method: clinical testing. Allele origin: germline. Not counted in ClinVar's aggregate classification.
Comment: This variant is classified as likely benign based on ACMG/AMP sequence variant interpretation guidelines (Richards et al. 2015 PMID: 25741868, with internal and published modifications).

NM_012188.5(FOXI1):c.30C>T (p.Ser10=)

Gene: FOXI1 (forkhead box I1; plus strand). Cytogenetic location: 5q35.1.
Variant type: single nucleotide variant.
Coding change: c.30C>T on transcript NM_012188.5 (MANE Select); coding-DNA position 30, C replaced by T.
Protein change: p.Ser10=; no amino-acid change (serine 10 retained).
Molecular consequence: synonymous variant.
Genome position (GRCh38, 1-based): chr5:170,105,987, C>T. VCF-style: chr5-170105987-C-T. GRCh37 (hg19) VCF-style: chr5-169532991-C-T.
Other names: c.30C>T, p.Ser10= (NM_144769.4).
Identifiers: ClinVar variation 352701 (VCV000352701.16), dbSNP rs137901435, ClinGen allele CA3554936.